The following is an entry in ClinVar:

ClinVar aggregate classification (germline): Uncertain significance (1 of 4 stars; one submission).

Conditions:
Paroxysmal nonkinesigenic dyskinesia. Also called: Paroxysmal non-kinesigenic dyskinesia. Identifiers: Orphanet 98810, MedGen C1869117, MONDO:0700088.

Submission:

Labcorp Genetics (formerly Invitae), Labcorp
Classification: Uncertain significance for Paroxysmal nonkinesigenic dyskinesia. Last evaluated: 2022-04-16. Review status: criteria provided, single submitter. Criteria: Invitae Variant Classification Sherloc (09022015). Collection method: clinical testing. Allele origin: germline.
Comment: In summary, the available evidence is currently insufficient to determine the role of this variant in disease. Therefore, it has been classified as a Variant of Uncertain Significance. Algorithms developed to predict the effect of missense changes on protein structure and function are either unavailable or do not agree on the potential impact of this missense change (SIFT: "Deleterious"; PolyPhen-2: "Benign"; Align-GVGD: "Class C0"). This variant has not been reported in the literature in individuals affected with PNKD-related conditions. This variant is not present in population databases (gnomAD no frequency). This sequence change replaces serine, which is neutral and polar, with threonine, which is neutral and polar, at codon 45 of the PNKD protein (p.Ser45Thr).

NM_015488.5(PNKD):c.134G>C (p.Ser45Thr)

Gene: PNKD (PNKD metallo-beta-lactamase domain containing; plus strand). Cytogenetic location: 2q35.
Variant type: single nucleotide variant.
Coding change: c.134G>C on transcript NM_015488.5 (MANE Select); coding-DNA position 134, G replaced by C.
Protein change: p.Ser45Thr; replaces serine 45 with threonine.
Molecular consequence: missense variant.
Genome position (GRCh38, 1-based): chr2:218,271,447, G>C. VCF-style: chr2-218271447-G-C. GRCh37 (hg19) VCF-style: chr2-219136170-G-C.
Other names: c.134G>C, p.Ser45Thr (NM_001077399.3); short protein forms S45T.
Identifiers: ClinVar variation 2126686 (VCV002126686.4), dbSNP rs2469256895, ClinGen allele CA350544713.